The following is an entry in ClinVar:

NM_007294.4(BRCA1):c.3956_3957del (p.Gly1319fs)

Genes: BRCA1 (BRCA1 DNA repair associated; minus strand), LOC126862571 (BRD4-independent group 4 enhancer GRCh37_chr17:41243136-41244335; plus strand). Cytogenetic location: 17q21.31.
Variant type: Deletion.
Coding change: c.3956_3957del on transcript NM_007294.4 (MANE Select); coding-DNA positions 3956 to 3957, 2 bases deleted (GT; older notation c.3956_3957delGT).
Protein change: p.Gly1319fs; shifts the reading frame from glycine 1319.
Molecular consequence: frameshift variant. On other transcripts: intron variant (135).
Genome position (GRCh38, 1-based): chr17:43,091,574-43,091,575, AC deleted on the plus strand (GT on the coding strand, the reverse complement: BRCA1 is on the minus strand). VCF-style (leftmost placement, unchanged base first): chr17-43091573-AAC-A. GRCh37 (hg19) VCF-style: chr17-41243590-AAC-A.
Other names: c.3956_3957del, p.Gly1319fs (NM_001407582.1, NM_001407583.1, NM_001407585.1 and 30 more transcripts); c.3953_3954del, p.Gly1318fs (NM_001407587.1, NM_001407590.1, NM_001407591.1 and 22 more transcripts); c.3878_3879del, p.Gly1293fs (NM_001407653.1, NM_001407654.1, NM_001407655.1 and 4 more transcripts); c.3875_3876del, p.Gly1292fs (NM_001407659.1, NM_001407660.1, NM_001407661.1 and 1 more transcripts); c.3830_3831del, p.Gly1277fs (NM_001407671.1, NM_001407672.1, NM_001407673.1 and 11 more transcripts); c.3833_3834del, p.Gly1278fs (NM_001407674.1, NM_001407675.1, NM_001407676.1 and 19 more transcripts); c.3815_3816del, p.Gly1272fs (NM_001407692.1, NM_001407694.1, NM_001407695.1 and 29 more transcripts); c.3812_3813del, p.Gly1271fs (NM_001407740.1, NM_001407838.1, NM_001407839.1 and 20 more transcripts); and 41 more; short protein forms G1272fs, G1319fs, G1230fs, G1277fs, G1316fs, G451fs, G1191fs, G1192fs.
Identifiers: ClinVar variation 431257 (VCV000431257.2), dbSNP rs1135401871, ClinGen allele CA645373168.

ClinVar aggregate classification (germline): Pathogenic. Review status: reviewed by expert panel (3 of 4 stars). 2 submissions from 2 submitters: Pathogenic (1). 1 of the submissions does not count toward it. Last evaluated 2017-12-15.

Conditions:
Hereditary breast ovarian cancer syndrome. Also called: Hereditary breast and ovarian cancer syndrome (HBOC); BRCA1- and BRCA2-Associated Hereditary Breast and Ovarian Cancer; Hereditary breast and/or ovarian cancer syndrome; Hereditary breast and ovarian cancer syndrome; Hereditary breast and ovarian cancer; Breast and ovarian cancer. Identifiers: Orphanet 145, MedGen C0677776, MeSH D061325, MONDO:0003582. Disease mechanism: loss of function.
Breast-ovarian cancer, familial, susceptibility to, 1 (BROVCA1). Also called: BRCA1 Hereditary Breast and Ovarian Cancer; OVARIAN CANCER, SUSCEPTIBILITY TO. Identifiers: Orphanet 145, MedGen C2676676, MONDO:0011450, OMIM 604370. Disease mechanism: loss of function.

Submissions (2):

Evidence-based Network for the Interpretation of Germline Mutant Alleles (ENIGMA)
Classification: Pathogenic for Breast-ovarian cancer, familial, susceptibility to, 1. Last evaluated: 2017-12-15. Review status: reviewed by expert panel. Criteria: ENIGMA BRCA1/2 Classification Criteria (2017-06-29). Collection method: curation. Allele origin: germline. Study: ENIGMA.
Comment: Variant allele predicted to encode a truncated non-functional protein.

Research Molecular Genetics Laboratory, Women's College Hospital, University of Toronto
Classification: Pathogenic for Hereditary breast ovarian cancer syndrome. Last evaluated: 2014-01-31. Review status: no assertion criteria provided. Collection method: research. Allele origin: germline. Affected: yes. Study: The Canadian Open Genetics Repository (COGR). Not counted in ClinVar's aggregate classification.